The following is an entry in ClinVar:

ClinVar aggregate classification (germline): Benign. Review status: criteria provided, multiple submitters, no conflicts (2 of 4 stars). 3 submissions from 3 submitters: Benign (3). Last evaluated 2026-01-25.

Conditions:
Congenital stromal corneal dystrophy (CSCD). Identifiers: Orphanet 101068, MedGen C1864738, MONDO:0012401, OMIM 610048.

Allele frequency attached by ClinVar (database versions not stated): gnomAD exomes 0.00050 and 0.00137; ExAC 0.00178; TOPMed 0.00549; gnomAD 0.00551; ESP Exome Variant Server 0.00623; 1000 Genomes Project 0.00679; 1000 Genomes Project 30x 0.00812.
gnomAD v4.1: 1,592 of 1,611,190 alleles (0.099%); highest among the groups gnomAD compares: African/African-American, 2%; 12 homozygotes.

Submissions (3):

Labcorp Genetics (formerly Invitae), Labcorp
Classification: Benign. Last evaluated: 2026-01-25. Review status: criteria provided, single submitter. Criteria: Invitae Variant Classification Sherloc (09022015). Collection method: clinical testing. Allele origin: germline.

Illumina Laboratory Services, Illumina
Classification: Benign for Congenital stromal corneal dystrophy. Last evaluated: 2018-01-12. Review status: criteria provided, single submitter. Criteria: ICSL Variant Classification Criteria 13 December 2019. Collection method: clinical testing. Allele origin: germline.
Comment: This variant was observed in the ICSL laboratory as part of a predisposition screen in an ostensibly healthy population. It had not been previously curated by ICSL or reported in the Human Gene Mutation Database (HGMD: prior to June 1st, 2018), and was therefore a candidate for classification through an automated scoring system. Utilizing variant allele frequency, disease prevalence and penetrance estimates, and inheritance mode, an automated score was calculated to assess if this variant is too frequent to cause the disease. Based on the score and internal cut-off values, a variant classified as benign is not then subjected to further curation. The score for this variant resulted in a classification of benign for this disease.

Breakthrough Genomics
Classification: Benign. Review status: criteria provided, single submitter. Criteria: ACMG Guidelines, 2015. Collection method: not provided. Allele origin: germline. Inheritance: Autosomal dominant inheritance. Affected: yes.

NM_001920.5(DCN):c.703A>C (p.Arg235=)

Gene: DCN (decorin; minus strand). Cytogenetic location: 12q21.33.
Variant type: single nucleotide variant.
Coding change: c.703A>C on transcript NM_001920.5 (MANE Select); coding-DNA position 703, A replaced by C.
Protein change: p.Arg235=; no amino-acid change (arginine 235 retained).
Molecular consequence: synonymous variant. On other transcripts: intron variant (2).
Genome position (GRCh38, 1-based): chr12:91,153,139, T>G on the plus strand (A>C on the coding strand, the complement: DCN is on the minus strand). VCF-style: chr12-91153139-T-G. GRCh37 (hg19) VCF-style: chr12-91546916-T-G.
Other names: c.703A>C, p.Arg235= (NM_133503.4); c.376A>C, p.Arg126= (NM_133504.3); c.262A>C, p.Arg88= (NM_133505.3); c.212-6887A>C (NM_133507.3); c.325-6887A>C (NM_133506.3).
Identifiers: ClinVar variation 730961 (VCV000730961.12), dbSNP rs3138264, ClinGen allele CA6716975.